The following is an entry in ClinVar:

NM_017763.6(RNF43):c.764C>T (p.Ala255Val)

Gene: RNF43 (ring finger protein 43; minus strand). Cytogenetic location: 17q22.
Variant type: single nucleotide variant.
Coding change: c.764C>T on transcript NM_017763.6 (MANE Select); coding-DNA position 764, C replaced by T.
Protein change: p.Ala255Val; replaces alanine 255 with valine.
Molecular consequence: missense variant.
Genome position (GRCh38, 1-based): chr17:58,360,868, G>A on the plus strand (C>T on the coding strand, the complement: RNF43 is on the minus strand). VCF-style: chr17-58360868-G-A. GRCh37 (hg19) VCF-style: chr17-56438229-G-A.
Other names: c.764C>T, p.Ala255Val (NM_001305544.3, NM_001438820.1, NM_001438821.1 and 1 more transcripts); c.383C>T, p.Ala128Val (NM_001305545.2, NM_001437987.1); short protein forms A128V, A255V.
Identifiers: ClinVar variation 5028352 (VCV005028352.1).

ClinVar aggregate classification (germline): Uncertain significance (1 of 4 stars; one submission).

Submission:

Ambry Genetics
Classification: Uncertain significance. Last evaluated: 2026-08-22. Review status: criteria provided, single submitter. Criteria: Ambry Variant Classification Scheme 2023. Collection method: clinical testing. Allele origin: germline.
Comment: The p.A255V variant (also known as c.764C>T), located in coding exon 6 of the RNF43 gene, results from a C to T substitution at nucleotide position 764. The alanine at codon 255 is replaced by valine, an amino acid with similar properties. This amino acid position is conserved. In addition, this alteration is predicted to be tolerated by in silico analysis. Based on the available evidence, the clinical significance of this variant remains unclear.